The following is an entry in ClinVar:

NM_005518.4(HMGCS2):c.940C>T (p.Arg314Cys)

Gene: HMGCS2 (3-hydroxy-3-methylglutaryl-CoA synthase 2; minus strand). Cytogenetic location: 1p12.
Variant type: single nucleotide variant.
Coding change: c.940C>T on transcript NM_005518.4 (MANE Select); coding-DNA position 940, C replaced by T.
Protein change: p.Arg314Cys; replaces arginine 314 with cysteine.
Molecular consequence: missense variant.
Genome position (GRCh38, 1-based): chr1:119,757,349, G>A on the plus strand (C>T on the coding strand, the complement: HMGCS2 is on the minus strand). VCF-style: chr1-119757349-G-A. GRCh37 (hg19) VCF-style: chr1-120299972-G-A.
Other names: c.814C>T, p.Arg272Cys (NM_001166107.1); short protein forms R314C, R272C.
Identifiers: ClinVar variation 873561 (VCV000873561.12), dbSNP rs781567781, ClinGen allele CA1037727.

ClinVar aggregate classification (germline): Uncertain significance. Review status: criteria provided, multiple submitters, no conflicts (2 of 4 stars). 3 submissions from 3 submitters: Uncertain significance (3). Last evaluated 2025-04-12.

Conditions:
3-hydroxy-3-methylglutaryl-CoA synthase deficiency (HMGCS2D). Also called: MITOCHONDRIAL HMG-CoA SYNTHASE DEFICIENCY; HMG-CoA synthase-2 deficiency; HMGCS2 DEFICIENCY. Identifiers: Orphanet 35701, MedGen C2751532, MONDO:0011614, OMIM 605911.
Inborn genetic diseases. Identifiers: MedGen C0950123, MeSH D030342.

Allele frequency attached by ClinVar (database versions not stated): gnomAD exomes 0.00001; TOPMed 0.00001; ExAC 0.00002; gnomAD 0.00002 and 0.00003.

Submissions (3):

Ambry Genetics
Classification: Uncertain significance for Inborn genetic diseases. Last evaluated: 2025-04-12. Review status: criteria provided, single submitter. Criteria: Ambry Variant Classification Scheme 2023. Collection method: clinical testing. Allele origin: germline.

Labcorp Genetics (formerly Invitae), Labcorp
Classification: Uncertain significance for 3-hydroxy-3-methylglutaryl-CoA synthase deficiency. Last evaluated: 2023-05-08. Review status: criteria provided, single submitter. Criteria: Invitae Variant Classification Sherloc (09022015). Collection method: clinical testing. Allele origin: germline.
Comment: In summary, the available evidence is currently insufficient to determine the role of this variant in disease. Therefore, it has been classified as a Variant of Uncertain Significance. Advanced modeling of protein sequence and biophysical properties (such as structural, functional, and spatial information, amino acid conservation, physicochemical variation, residue mobility, and thermodynamic stability) performed at Invitae indicates that this missense variant is expected to disrupt HMGCS2 protein function. ClinVar contains an entry for this variant (Variation ID: 873561). This variant has not been reported in the literature in individuals affected with HMGCS2-related conditions. This variant is present in population databases (rs781567781, gnomAD 0.01%). This sequence change replaces arginine, which is basic and polar, with cysteine, which is neutral and slightly polar, at codon 314 of the HMGCS2 protein (p.Arg314Cys).

Illumina Laboratory Services, Illumina
Classification: Uncertain significance for 3-hydroxy-3-methylglutaryl-CoA synthase deficiency. Last evaluated: 2018-01-12. Review status: criteria provided, single submitter. Criteria: ICSL Variant Classification Criteria 13 December 2019. Collection method: clinical testing. Allele origin: germline.